The following is an entry in ClinVar:

NM_003098.3(SNTA1):c.201C>T (p.Ala67=)

Gene: SNTA1 (syntrophin alpha 1; minus strand). Cytogenetic location: 20q11.21.
Variant type: single nucleotide variant.
Coding change: c.201C>T on transcript NM_003098.3 (MANE Select); coding-DNA position 201, C replaced by T.
Protein change: p.Ala67=; no amino-acid change (alanine 67 retained).
Molecular consequence: synonymous variant.
Genome position (GRCh38, 1-based): chr20:33,443,420, G>A on the plus strand (C>T on the coding strand, the complement: SNTA1 is on the minus strand). VCF-style: chr20-33443420-G-A. GRCh37 (hg19) VCF-style: chr20-32031226-G-A.
Identifiers: ClinVar variation 669893 (VCV000669893.3), dbSNP rs1403481465, ClinGen allele CA510470531.

ClinVar aggregate classification (germline): Likely benign. Review status: criteria provided, multiple submitters, no conflicts (2 of 4 stars). 2 submissions from 2 submitters: Likely benign (2). Last evaluated 2024-07-30.

Conditions:
Long QT syndrome (LQTS). Identifiers: MedGen C0023976, MeSH D008133, MONDO:0002442. Disease mechanism: loss of function. Inheritance: Various modes of inheritance.

Allele frequency attached by ClinVar (database versions not stated): gnomAD 0.00001.
gnomAD v4.1: 53 of 1,339,132 alleles (0.004%); highest among the groups gnomAD compares: Non-Finnish European, 0.0049%; no homozygotes.

Submissions (2):

Labcorp Genetics (formerly Invitae), Labcorp
Classification: Likely benign for Long QT syndrome. Last evaluated: 2024-07-30. Review status: criteria provided, single submitter. Criteria: Invitae Variant Classification Sherloc (09022015). Collection method: clinical testing. Allele origin: germline.

GeneDx
Classification: Likely benign. Last evaluated: 2018-05-17. Review status: criteria provided, single submitter. Criteria: GeneDx Variant Classification (06012015). Collection method: clinical testing. Allele origin: germline. Affected: yes.
Comment: This variant is considered likely benign or benign based on one or more of the following criteria: it is a conservative change, it occurs at a poorly conserved position in the protein, it is predicted to be benign by multiple in silico algorithms, and/or has population frequency not consistent with disease.